The following is an entry in ClinVar:

NM_000334.4(SCN4A):c.5258T>C (p.Met1753Thr)

Genes: GH-LCR (growth hormone locus control region; plus strand), SCN4A (sodium voltage-gated channel alpha subunit 4; minus strand). Cytogenetic location: 17q23.3.
Variant type: single nucleotide variant.
Coding change: c.5258T>C on transcript NM_000334.4 (MANE Select); coding-DNA position 5258, T replaced by C.
Protein change: p.Met1753Thr; replaces methionine 1753 with threonine.
Molecular consequence: missense variant.
Genome position (GRCh38, 1-based): chr17:63,941,024, A>G on the plus strand (T>C on the coding strand, the complement: SCN4A is on the minus strand). VCF-style: chr17-63941024-A-G. GRCh37 (hg19) VCF-style: chr17-62018384-A-G.
Other names: short protein forms M1753T.
Identifiers: ClinVar variation 965608 (VCV000965608.1), dbSNP rs1908507017, ClinGen allele CA400613173.

ClinVar aggregate classification (germline): Uncertain significance (1 of 4 stars; one submission).

Conditions:
Hyperkalemic periodic paralysis. Also called: Familial hyperkalemic periodic paralysis; Gamstorp disease. Identifiers: Orphanet 682, MedGen C0238357, MONDO:0008224, OMIM 170500, HP:0007215.

Allele frequency attached by ClinVar (database versions not stated): gnomAD exomes below 0.00001.

Submission:

Labcorp Genetics (formerly Invitae), Labcorp
Classification: Uncertain significance for Hyperkalemic Periodic Paralysis Type 1. Last evaluated: 2019-10-02. Review status: criteria provided, single submitter. Criteria: Invitae Variant Classification Sherloc (09022015). Collection method: clinical testing. Allele origin: germline.
Comment: This sequence change replaces methionine with threonine at codon 1753 of the SCN4A protein (p.Met1753Thr). The methionine residue is highly conserved and there is a moderate physicochemical difference between methionine and threonine. This variant is not present in population databases (ExAC no frequency). This variant has not been reported in the literature in individuals with SCN4A-related conditions. Algorithms developed to predict the effect of missense changes on protein structure and function are either unavailable or do not agree on the potential impact of this missense change (SIFT: "Deleterious"; PolyPhen-2: "Benign"; Align-GVGD: "Class C55"). In summary, the available evidence is currently insufficient to determine the role of this variant in disease. Therefore, it has been classified as a Variant of Uncertain Significance.